The following is an entry in ClinVar:

NM_000051.4(ATM):c.5919-8A>G

Genes: ATM (ATM serine/threonine kinase; plus strand), C11orf65 (chromosome 11 open reading frame 65; minus strand). Cytogenetic location: 11q22.3.
Variant type: single nucleotide variant.
Coding change: c.5919-8A>G on transcript NM_000051.4 (MANE Select); 8 bases into the intron before coding-DNA position 5919, A replaced by G.
Molecular consequence: intron variant.
Genome position (GRCh38, 1-based): chr11:108,312,403, A>G. VCF-style: chr11-108312403-A-G. GRCh37 (hg19) VCF-style: chr11-108183130-A-G.
Other names: c.5919-8A>G (NM_001351834.2); c.641-3332T>C (NM_001330368.2); c.*39-3332T>C (NM_001351110.2).
Identifiers: ClinVar variation 490632 (VCV000490632.14), dbSNP rs1176654682, ClinGen allele CA601724120.
Genomic context (GRCh38, chr11:108,312,403, plus strand): 5'-TAGTATATGTATTCAGGAGCTTCCAAATAGTATGTTCTCATTAAAAGAGGTGTTCTTGTG[A>G]CAAACAGAAGTCTTGCATTTGAAGAAGGAAGCCAGAGTACAACTATTTCTAGCTTGAGTG-3'

ClinVar aggregate classification (germline): Conflicting classifications of pathogenicity. Review status: criteria provided, conflicting classifications (1 of 4 stars). 4 submissions from 4 submitters: Uncertain significance (1); Likely benign (3). Last evaluated 2025-12-21.

Conditions:
Hereditary cancer-predisposing syndrome. Also called: Neoplastic Syndromes, Hereditary; Hereditary Cancer Syndrome; Tumor predisposition; Hereditary neoplastic syndrome. Identifiers: Orphanet 140162, MedGen C0027672, MeSH D009386, MONDO:0015356.
Familial cancer of breast. Also called: Hereditary breast cancer; BREAST CANCER, FAMILIAL; hereditary breast carcinoma. Identifiers: Orphanet 227535, MedGen C0346153, MONDO:0016419, OMIM 114480. Disease mechanism: loss of function.
Ataxia-telangiectasia syndrome (AT). Also called: LOUIS-BAR SYNDROME; Cerebello-oculocutaneous telangiectasia; Immunodeficiency with ataxia telangiectasia; Ataxia-telangiectasia, complementation group D; AT, COMPLEMENTATION GROUP C; Ataxia-telangiectasia, complementation group E. Identifiers: Orphanet 100, MedGen C0004135, MONDO:0008840, OMIM 208900.

Allele frequency attached by ClinVar (database versions not stated): gnomAD exomes below 0.00001 and 0.00001; TOPMed 0.00001.
gnomAD v4.1: 4 of 1,570,438 alleles (0.00025%); highest among the groups gnomAD compares: East Asian, 0.0045%; no homozygotes.

Submissions (4):

Labcorp Genetics (formerly Invitae), Labcorp
Classification: Likely benign for Ataxia-telangiectasia syndrome. Last evaluated: 2025-12-21. Review status: criteria provided, single submitter. Criteria: Invitae Variant Classification Sherloc (09022015). Collection method: clinical testing. Allele origin: germline.

Quest Diagnostics Nichols Institute San Juan Capistrano
Classification: Uncertain significance. Last evaluated: 2025-04-29. Review status: criteria provided, single submitter. Criteria: Quest Diagnostics criteria. Collection method: clinical testing. Allele origin: unknown.

Myriad Genetics, Inc.
Classification: Likely benign for Familial cancer of breast. Last evaluated: 2024-05-28. Review status: criteria provided, single submitter. Criteria: Myriad Autosomal Dominant, Autosomal Recessive and X-Linked Classification Criteria (2023). Collection method: clinical testing. Allele origin: unknown.
Comment: This variant is considered likely benign. This variant is intronic and is not expected to impact mRNA splicing.

Color Diagnostics, LLC DBA Color Health
Classification: Likely benign for Hereditary cancer-predisposing syndrome. Last evaluated: 2017-06-19. Review status: criteria provided, single submitter. Criteria: ACMG Guidelines, 2015. Collection method: clinical testing. Allele origin: germline.